The following is an entry in ClinVar:

NM_001378778.1(MPDZ):c.5987del (p.Gly1996fs)

Gene: MPDZ (multiple PDZ domain crumbs cell polarity complex component; minus strand). Cytogenetic location: 9p23.
Variant type: Deletion.
Coding change: c.5987del on transcript NM_001378778.1 (MANE Select); coding-DNA position 5987, one base deleted (G; older notation c.5987delG).
Protein change: p.Gly1996fs; shifts the reading frame from glycine 1996.
Molecular consequence: frameshift variant.
Genome position (GRCh38, 1-based): chr9:13,109,015, C deleted on the plus strand (G on the coding strand, the reverse complement: MPDZ is on the minus strand); the first of 2 consecutive C bases (chr9:13,109,015-13,109,016); deleting either gives the same sequence. VCF-style (leftmost placement, unchanged base first): chr9-13109014-GC-G. GRCh37 (hg19) VCF-style: chr9-13109013-GC-G.
Other names: c.5888del, p.Gly1963fs (NM_001261406.2, NM_001375416.1, NM_001375417.1 and 1 more transcripts); c.5801del, p.Gly1934fs (NM_001261407.2, NM_001375419.1); c.5987del, p.Gly1996fs (NM_001330637.2); c.6086del, p.Gly2029fs (NM_001375413.1); c.5777del, p.Gly1926fs (NM_001375420.1, NM_001375421.1, NM_001375422.1 and 2 more transcripts); c.5690del, p.Gly1897fs (NM_001375425.1, NM_001375426.1); c.5579del, p.Gly1860fs (NM_001375427.1); c.5900del, p.Gly1967fs (NM_003829.5); short protein forms G1996fs, G1934fs, G1860fs, G1897fs, G1926fs, G1967fs, G1963fs, G2029fs.
Identifiers: ClinVar variation 2135721 (VCV002135721.4), dbSNP rs2537586034, ClinGen allele CA2580079210.

ClinVar aggregate classification (germline): Pathogenic (1 of 4 stars; one submission).

Submission:

Labcorp Genetics (formerly Invitae), Labcorp
Classification: Pathogenic. Last evaluated: 2022-05-08. Review status: criteria provided, single submitter. Criteria: Invitae Variant Classification Sherloc (09022015). Collection method: clinical testing. Allele origin: germline.
Comment: For these reasons, this variant has been classified as Pathogenic. This variant has not been reported in the literature in individuals affected with MPDZ-related conditions. This variant is not present in population databases (gnomAD no frequency). This sequence change creates a premature translational stop signal (p.Gly1967Alafs*2) in the MPDZ gene. It is expected to result in an absent or disrupted protein product. Loss-of-function variants in MPDZ are known to be pathogenic (PMID: 23240096, 28556411).

Literature cited by the submitters: PubMed 23240096; PubMed 28556411.